The following is an entry in ClinVar:

NM_015690.5(STK36):c.2339T>C (p.Met780Thr)

Gene: STK36 (serine/threonine kinase 36; plus strand). Cytogenetic location: 2q35.
Variant type: single nucleotide variant.
Coding change: c.2339T>C on transcript NM_015690.5 (MANE Select); coding-DNA position 2339, T replaced by C.
Protein change: p.Met780Thr; replaces methionine 780 with threonine.
Molecular consequence: missense variant.
Genome position (GRCh38, 1-based): chr2:218,694,266, T>C. VCF-style: chr2-218694266-T-C. GRCh37 (hg19) VCF-style: chr2-219558989-T-C.
Other names: c.2339T>C, p.Met780Thr (NM_001243313.2, NM_001369423.1); short protein forms M780T.
Identifiers: ClinVar variation 775814 (VCV000775814.8), dbSNP rs139073740, ClinGen allele CA2111086.

ClinVar aggregate classification (germline): Benign/Likely benign. Review status: criteria provided, multiple submitters, no conflicts (2 of 4 stars). 4 submissions from 4 submitters: Benign (2); Likely benign (1). 1 of the submissions does not count toward it. Last evaluated 2024-11-04.

Conditions:
STK36-related disorder. Also called: STK36-related condition.

Allele frequency attached by ClinVar (database versions not stated): gnomAD exomes 0.00028 and 0.00066; ExAC 0.00096; 1000 Genomes Project 0.00200; 1000 Genomes Project 30x 0.00219; gnomAD 0.00272 and 0.00297; TOPMed 0.00337; ESP Exome Variant Server 0.00361.
gnomAD v4.1: 853 of 1,613,756 alleles (0.053%); highest among the groups gnomAD compares: African/African-American, 1%; 1 homozygote.

Submissions (4):

Blueprint Genetics
Classification: Likely benign. Last evaluated: 2024-11-04. Review status: criteria provided, single submitter. Criteria: ACMG Guidelines, 2015. Collection method: clinical testing. Allele origin: germline.

Labcorp Genetics (formerly Invitae), Labcorp
Classification: Benign. Last evaluated: 2019-12-31. Review status: criteria provided, single submitter. Criteria: Invitae Variant Classification Sherloc (09022015). Collection method: clinical testing. Allele origin: germline.

Breakthrough Genomics
Classification: Benign. Review status: criteria provided, single submitter. Criteria: ACMG Guidelines, 2015. Collection method: not provided. Allele origin: germline. Inheritance: Autosomal recessive inheritance. Affected: yes.

PreventionGenetics, part of Exact Sciences
Classification: Benign for STK36-related condition. Last evaluated: 2019-04-11. Review status: no assertion criteria provided. Collection method: clinical testing. Allele origin: germline. Not counted in ClinVar's aggregate classification.
Comment: This variant is classified as benign based on ACMG/AMP sequence variant interpretation guidelines (Richards et al. 2015 PMID: 25741868, with internal and published modifications).